The following is an entry in ClinVar:

NC_000023.10:g.(?_153576900)_(153599729_?)del

Gene: FLNA (filamin A; minus strand). Cytogenetic location: Xq28.
Variant type: Deletion.
Identifiers: ClinVar variation 417354 (VCV000417354.1).

ClinVar aggregate classification (germline): Pathogenic (1 of 4 stars; one submission).

Conditions:
Heterotopia, periventricular, X-linked dominant (PVNH1). Also called: PERIVENTRICULAR NODULAR HETEROTOPIA 1; X-linked periventricular heterotopia; PERIVENTRICULAR NODULAR HETEROTOPIA 4; HETEROTOPIA, PERIVENTRICULAR, 1. Identifiers: Orphanet 2149, Orphanet 82004, MedGen C1848213, MONDO:0010233, OMIM 300049.

Submission:

Labcorp Genetics (formerly Invitae), Labcorp
Classification: Pathogenic for Heterotopia, periventricular, X-linked dominant. Last evaluated: 2016-12-11. Review status: criteria provided, single submitter. Criteria: Invitae Variant Classification Sherloc (09022015). Collection method: clinical testing. Allele origin: germline.
Comment: A gross deletion of the genomic region encompassing the full coding sequence of the FLNA gene has been identified. The boundaries of this event are unknown as the deletion extends beyond the assayed region for this gene and therefore may encompass additional genes. While this particular variant has not been reported in the literature, loss-of-function variants in FLNA are known to be pathogenic (PMID: 16684786, 20730588, 26471271). For these reasons, this variant has been classified as Pathogenic.